The following is an entry in ClinVar:

ClinVar aggregate classification (germline): Benign. Review status: reviewed by expert panel (3 of 4 stars). 15 submissions from 15 submitters: Benign (1). 14 of the submissions do not count toward it. Last evaluated 2019-06-18.

Conditions:
Breast and/or ovarian cancer. Identifiers: MedGen CN221562.
Hereditary cancer-predisposing syndrome. Also called: Neoplastic Syndromes, Hereditary; Tumor predisposition; Hereditary neoplastic syndrome; Hereditary Cancer Syndrome. Identifiers: Orphanet 140162, MedGen C0027672, MeSH D009386, MONDO:0015356.
Hereditary breast ovarian cancer syndrome. Also called: Hereditary breast and ovarian cancer syndrome; Hereditary breast and ovarian cancer; Hereditary breast and ovarian cancer syndrome (HBOC); Breast and ovarian cancer; Hereditary breast and/or ovarian cancer syndrome; BRCA1- and BRCA2-Associated Hereditary Breast and Ovarian Cancer. Identifiers: Orphanet 145, MedGen C0677776, MeSH D061325, MONDO:0003582. Disease mechanism: loss of function.
Malignant tumor of breast. Also called: Malignant breast neoplasm; Cancer breast. Identifiers: MedGen C0006142, MONDO:0007254. Disease mechanism: loss of function.
BRCA2-related disorder. Also called: BRCA2-related condition; BRCA2-related disorders. Identifiers: MedGen CN239275.
Breast-ovarian cancer, familial, susceptibility to, 2 (BROVCA2). Also called: BRCA2 Hereditary Breast and Ovarian Cancer. Identifiers: Orphanet 145, MedGen C2675520, MONDO:0012933, OMIM 612555. Disease mechanism: loss of function.

Allele frequency attached by ClinVar (database versions not stated): gnomAD 0.00001; gnomAD exomes 0.00001 and 0.00002; TOPMed 0.00001; ExAC 0.00002.
gnomAD v4.1: 30 of 1,607,834 alleles (0.0019%); highest among the groups gnomAD compares: Admixed American, 0.0033%; no homozygotes.

Submissions (15):

Evidence-based Network for the Interpretation of Germline Mutant Alleles (ENIGMA)
Classification: Benign for Breast-ovarian cancer, familial, susceptibility to, 2. Last evaluated: 2019-06-18. Review status: reviewed by expert panel. Criteria: ENIGMA BRCA1/2 Classification Criteria (2017-06-29). Collection method: curation. Allele origin: germline.
Comment: IARC class based on posterior probability from multifactorial likelihood analysis, thresholds for class as per Plon et al. 2008 (PMID: 18951446). Class 1 based on posterior probability = 0.000238

Labcorp Genetics (formerly Invitae), Labcorp
Classification: Likely benign for Hereditary breast ovarian cancer syndrome. Last evaluated: 2026-01-17. Review status: criteria provided, single submitter. Criteria: Invitae Variant Classification Sherloc (09022015). Collection method: clinical testing. Allele origin: germline. Not counted in ClinVar's aggregate classification.

Quest Diagnostics Nichols Institute San Juan Capistrano
Classification: Likely benign. Last evaluated: 2023-04-07. Review status: criteria provided, single submitter. Criteria: Quest Diagnostics criteria. Collection method: clinical testing. Allele origin: unknown. Not counted in ClinVar's aggregate classification.

Women's Health and Genetics/Laboratory Corporation of America, LabCorp
Classification: Benign. Last evaluated: 2022-08-22. Review status: criteria provided, single submitter. Criteria: LabCorp Variant Classification Summary - May 2015. Collection method: clinical testing. Allele origin: germline. Not counted in ClinVar's aggregate classification.
Comment: Variant summary: BRCA2 c.6953G>A (p.Arg2318Gln) results in a conservative amino acid change in the encoded protein sequence. Four of five in-silico tools predict a damaging effect of the variant on protein function. The variant allele was found at a frequency of 8e-06 in 250152 control chromosomes. The available data on variant occurrences in the general population are insufficient to allow any conclusion about variant significance. c.6953G>A has been reported in the literature as a VUS in individuals affected with/undergoing testing for breast and/or ovarian cancer (example, Chenevix-Trench_2018, Hondow_2011, Kote-Jarai_2011, Alsop_2012). These report(s) do not provide unequivocal conclusions about association of the variant with Hereditary Breast And Ovarian Cancer Syndrome. Multifactorial probability models have reported a neutral outcome (Lindor_2012). Co-occurrences with other pathogenic variant(s) have been reported in various databases and in the literature (BRCA2 c.2330dup, p.Asp777fs; BRCA1 c.2071delA, p.Arg691fs), providing supporting evidence for a benign role. To our knowledge, no experimental evidence demonstrating an impact on protein function has been reported. Multiple clinical diagnostic laboratories and an expert panel (ENIGMA) have submitted clinical-significance assessments for this variant to ClinVar after 2014 without evidence for independent evaluation and a predominant consensus as benign/likely benign. Based on the evidence outlined above, the variant was classified as benign.

CHEO Genetics Diagnostic Laboratory, Children's Hospital of Eastern Ontario
Classification: Uncertain significance for Breast and/or ovarian cancer. Last evaluated: 2021-07-03. Review status: criteria provided, single submitter. Criteria: ACMG Guidelines, 2015. Collection method: clinical testing. Allele origin: germline. Not counted in ClinVar's aggregate classification.

GeneDx
Classification: Likely benign. Last evaluated: 2019-09-05. Review status: criteria provided, single submitter. Criteria: GeneDx Variant Classification Process June 2021. Collection method: clinical testing. Allele origin: germline. Affected: yes. Not counted in ClinVar's aggregate classification.
Comment: Not observed at a significant frequency in large population cohorts (Lek et al., 2016); In silico analysis, which includes protein predictors and evolutionary conservation, supports that this variant does not alter protein structure/function; This variant is associated with the following publications: (PMID: 10923033, 21702907, 25452441, 17972171, 25348012, 27153395, 21990134, 16489001, 21990165, 21741379, 22711857, 26941049, 21952622, 25479140, 31131967)

Mendelics
Classification: Benign for Breast-ovarian cancer, familial, susceptibility to, 2. Last evaluated: 2019-05-28. Review status: criteria provided, single submitter. Criteria: Mendelics Assertion Criteria 2017. Collection method: clinical testing. Allele origin: unknown. Not counted in ClinVar's aggregate classification.

Ambry Genetics
Classification: Likely benign for Hereditary cancer-predisposing syndrome. Last evaluated: 2018-06-27. Review status: criteria provided, single submitter. Criteria: Ambry Variant Classification Scheme 2023. Collection method: clinical testing. Allele origin: germline. Not counted in ClinVar's aggregate classification.

Department of Pathology and Molecular Medicine, Queen's University
Classification: Likely benign. Last evaluated: 2017-04-20. Review status: criteria provided, single submitter. Criteria: ACMG Guidelines, 2015. Collection method: clinical testing. Allele origin: germline. Study: The Canadian Open Genetics Repository (COGR). Not counted in ClinVar's aggregate classification.

Color Diagnostics, LLC DBA Color Health
Classification: Likely benign for Hereditary cancer-predisposing syndrome. Last evaluated: 2016-05-02. Review status: criteria provided, single submitter. Criteria: ACMG Guidelines, 2015. Collection method: clinical testing. Allele origin: germline. Not counted in ClinVar's aggregate classification.

PreventionGenetics, part of Exact Sciences
Classification: Likely benign for BRCA2-related condition. Last evaluated: 2024-02-14. Review status: no assertion criteria provided. Collection method: clinical testing. Allele origin: germline. Not counted in ClinVar's aggregate classification.
Comment: This variant is classified as likely benign based on ACMG/AMP sequence variant interpretation guidelines (Richards et al. 2015 PMID: 25741868, with internal and published modifications).

Sharing Clinical Reports Project (SCRP)
Classification: Likely benign for Breast-ovarian cancer, familial 2. Last evaluated: 2012-03-29. Review status: no assertion criteria provided. Collection method: clinical testing. Allele origin: germline. Not counted in ClinVar's aggregate classification.

Breast Cancer Information Core (BIC) (BRCA2)
Classification: Uncertain significance for Breast-ovarian cancer, familial 2. Last evaluated: 2002-05-29. Review status: no assertion criteria provided. Collection method: clinical testing. Allele origin: germline. Affected: yes. Observed: 4 variant alleles. Not counted in ClinVar's aggregate classification.

Department of Pathology and Laboratory Medicine, Sinai Health System
Classification: Uncertain significance for Malignant tumor of breast. Review status: no assertion criteria provided. Collection method: clinical testing. Allele origin: unknown. Affected: yes. Study: The Canadian Open Genetics Repository (COGR). Not counted in ClinVar's aggregate classification.
Comment: The BRCA2 p.Arg2318Gln variant was identified in 5 of 12202 proband chromosomes (frequency: 0.0004) from individuals or families with breast, ovarian, prostate, and pancreatic cancer and was not identified in 360 control chromosomes from healthy individuals (Alsop_2012, Kote-Jarai_2011, Couch_2015, Dos Santos Vidal_2016, Grant_2015, Chenevix-Trench_2006). The variant was also identified in the following databases: dbSNP (ID: rs80358921) as â€šÃ„ÃºWith other alleleâ€šÃ„Ã¹, ClinVar and Clinvitae (6x as likely benign by Ambry Genetics, COGR, Invitae, SCRP and as uncertain significance by GeneDx, BIC), LOVD 3.0 (5x), UMD-LSDB (5 entries as uncertain significance and in one case the p.Arg2318Gln variant has been reported as co-occurring with a pathogenic variant of BRCA2 gene (c.2330dup, p.Asp777GlnfsX11), BIC Database (4x), ARUP Laboratories (1x as â€šÃ„Ãºclass 2-likely not pathogenic or of little clinical significanceâ€šÃ„Ã¹). The variant was not identified in Cosmic, MutDB and Zhejiang Colon Cancer Database. The variant was identified in control databases in 2 of 244730 chromosomes at a frequency of 0.000008 (Genome Aggregation Database Feb 27, 2017). It was observed in the following populations: Latino in 1 of 33426 chromosomes (freq: 0.00003), European Non-Finnish in 1 of 111204 chromosomes (freq: 0.000009); but not observed in the African, Other, Ashkenazi Jewish, East Asian, European Finnish, and South Asian populations. A functional study showed decreased cell survival and a higher rate of apoptosis in response to cisplatin as compared to wild-type (Warren_2011). The p.Arg2318 residue is not conserved in mammals and computational analyses (PolyPhen-2, SIFT, AlignGVGD, BLOSUM, MutationTaster) provide inconsistent predictions regarding the impact to the protein; this information is not very predictive of pathogenicity. The variant occurs outside of the splicing consensus sequence and 1 of 5 in silico or computational prediction software programs (SpliceSiteFinder, MaxEntScan, NNSPLICE, GeneSplicer, HumanSpliceFinder) predict a greater than 10% difference in splicing; this is not very predictive of pathogenicity. In summary, based on the above information the clinical significance of this variant cannot be determined with certainty at this time. This variant is classified as a variant of uncertain significance.

Foulkes Cancer Genetics LDI, Lady Davis Institute for Medical Research
Classification: Uncertain significance for Breast and/or ovarian cancer. Review status: no assertion criteria provided. Collection method: clinical testing. Allele origin: germline. Study: The Canadian Open Genetics Repository (COGR). Not counted in ClinVar's aggregate classification.

Literature cited by the submitters: PubMed 31131967 (cited by Evidence-based Network for the Interpretation of Germline Mutant Alleles (ENIGMA) and Quest Diagnostics Nichols Institute San Juan Capistrano); PubMed 33471991 (cited by Quest Diagnostics Nichols Institute San Juan Capistrano); PubMed 16489001 (cited by 3 submitters); PubMed 22711857 (cited by Quest Diagnostics Nichols Institute San Juan Capistrano and Women's Health and Genetics/Laboratory Corporation of America, LabCorp); PubMed 21741379 (cited by Quest Diagnostics Nichols Institute San Juan Capistrano); PubMed 17972171 (cited by Quest Diagnostics Nichols Institute San Juan Capistrano and Women's Health and Genetics/Laboratory Corporation of America, LabCorp); PubMed 21702907 (cited by 3 submitters); PubMed 21990134 (cited by 3 submitters); PubMed 26941049 (cited by Quest Diagnostics Nichols Institute San Juan Capistrano); PubMed 27153395 (cited by Quest Diagnostics Nichols Institute San Juan Capistrano); PubMed 25452441 (cited by Quest Diagnostics Nichols Institute San Juan Capistrano); PubMed 32467295 (cited by Quest Diagnostics Nichols Institute San Juan Capistrano); PubMed 21990165 (cited by Women's Health and Genetics/Laboratory Corporation of America, LabCorp and Ambry Genetics); PubMed 21952622 (cited by Women's Health and Genetics/Laboratory Corporation of America, LabCorp and Ambry Genetics); PubMed 18951461 (cited by Ambry Genetics).

NM_000059.4(BRCA2):c.6953G>A (p.Arg2318Gln)

Gene: BRCA2 (BRCA2 DNA repair associated; plus strand). Cytogenetic location: 13q13.1.
Variant type: single nucleotide variant.
Coding change: c.6953G>A on transcript NM_000059.4 (MANE Select); coding-DNA position 6953, G replaced by A.
Protein change: p.Arg2318Gln; replaces arginine 2318 with glutamine.
Molecular consequence: missense variant.
Genome position (GRCh38, 1-based): chr13:32,346,842, G>A. VCF-style: chr13-32346842-G-A. GRCh37 (hg19) VCF-style: chr13-32920979-G-A.
Other names: p.R2318Q:CGA>CAA; 7181G>A; short protein forms R2318Q.
Identifiers: ClinVar variation 52225 (VCV000052225.33), dbSNP rs80358921, ClinGen allele CA024624.